The following is an entry in ClinVar:

NM_001369.3(DNAH5):c.13126-2A>T

Gene: DNAH5 (dynein axonemal heavy chain 5; minus strand). Cytogenetic location: 5p15.2.
Variant type: single nucleotide variant.
Coding change: c.13126-2A>T on transcript NM_001369.3 (MANE Select); the canonical splice acceptor site of the intron before coding-DNA position 13126, A replaced by T.
Molecular consequence: splice acceptor variant.
Genome position (GRCh38, 1-based): chr5:13,708,337, T>A on the plus strand (A>T on the coding strand, the complement: DNAH5 is on the minus strand). VCF-style: chr5-13708337-T-A. GRCh37 (hg19) VCF-style: chr5-13708446-T-A.
Identifiers: ClinVar variation 4066843 (VCV004066843.2).

ClinVar aggregate classification (germline): Likely pathogenic (1 of 4 stars; one submission).

Conditions:
Primary ciliary dyskinesia. Also called: Ciliary dyskinesia. Identifiers: Orphanet 244, MedGen C0008780, MONDO:0016575, HP:0012265.

Submission:

Natera, Inc.
Classification: Likely pathogenic for Primary ciliary dyskinesia. Last evaluated: 2025-01-14. Review status: criteria provided, single submitter. Criteria: Natera Variant Classification Schema (03/2026). Collection method: clinical testing. Allele origin: germline.
Comment: The c.13126-2A>T variant in DNAH5 is a canonical splice acceptor site variant predicted to affect pre-mRNA splicing, which may result in an abnormal transcript and altered protein product. This variant may result in a truncated or dysfunctional protein product. This variant is rare in the general population with a frequency below the threshold expected for the associated phenotype(s). This variant has been observed in one or more individuals affected with the associated recessive disease, as either homozygous or compound heterozygous with a second variant (PMID: 16627867). Given the available evidence, this variant is classified as Likely Pathogenic.

Literature cited by the submitters: PubMed 16627867.